The following is an entry in ClinVar:

NM_004655.4(AXIN2):c.1084A>T (p.Met362Leu)

Gene: AXIN2 (axin 2; minus strand). Cytogenetic location: 17q24.1.
Variant type: single nucleotide variant.
Coding change: c.1084A>T on transcript NM_004655.4 (MANE Select); coding-DNA position 1084, A replaced by T.
Protein change: p.Met362Leu; replaces methionine 362 with leucine.
Molecular consequence: missense variant.
Genome position (GRCh38, 1-based): chr17:65,538,319, T>A on the plus strand (A>T on the coding strand, the complement: AXIN2 is on the minus strand). VCF-style: chr17-65538319-T-A. GRCh37 (hg19) VCF-style: chr17-63534437-T-A.
Other names: c.1084A>T, p.Met362Leu (NM_001363813.1); short protein forms M362L.
Identifiers: ClinVar variation 3645140 (VCV003645140.2).
Genomic context (GRCh38, chr17:65,538,319, plus strand): 5'-TCAGCTTTTCCAGCCTCGAGATCAGCTCAGCTGCAAAGGTGGCGGGTTCCACGGGGGTCA[T>A]CTCCTTGGGCAGGCGGTGGGTTCTCTACAGGACGTGGAAAGGAAAGGGAGGAGGCACGTT-3'
Protein context (NP_004646.3, residues 352-372): FPRTHRLPKE[Met362Leu]TPVEPATFAA

ClinVar aggregate classification (germline): Uncertain significance (1 of 4 stars; one submission).

Conditions:
Oligodontia-cancer predisposition syndrome. Also called: TOOTH AGENESIS-COLORECTAL CANCER SYNDROME. Identifiers: Orphanet 300576, MedGen C1837750, MONDO:0012075, OMIM 608615. Disease mechanism: loss of function.

Submission:

Labcorp Genetics (formerly Invitae), Labcorp
Classification: Uncertain significance for Oligodontia-cancer predisposition syndrome. Last evaluated: 2024-03-09. Review status: criteria provided, single submitter. Criteria: Invitae Variant Classification Sherloc (09022015). Collection method: clinical testing. Allele origin: germline.
Comment: This sequence change replaces methionine, which is neutral and non-polar, with leucine, which is neutral and non-polar, at codon 362 of the AXIN2 protein (p.Met362Leu). This variant is not present in population databases (gnomAD no frequency). This variant has not been reported in the literature in individuals affected with AXIN2-related conditions. Advanced modeling of protein sequence and biophysical properties (such as structural, functional, and spatial information, amino acid conservation, physicochemical variation, residue mobility, and thermodynamic stability) performed at Invitae indicates that this missense variant is not expected to disrupt AXIN2 protein function with a negative predictive value of 80%. In summary, the available evidence is currently insufficient to determine the role of this variant in disease. Therefore, it has been classified as a Variant of Uncertain Significance.